The following is an entry in ClinVar:

NM_001127208.3(TET2):c.1625A>C (p.Lys542Thr)

Genes: TET2 (tet methylcytosine dioxygenase 2; plus strand), TET2-AS1 (TET2 antisense RNA 1; minus strand). Cytogenetic location: 4q24.
Variant type: single nucleotide variant.
Coding change: c.1625A>C on transcript NM_001127208.3 (MANE Select); coding-DNA position 1625, A replaced by C.
Protein change: p.Lys542Thr; replaces lysine 542 with threonine.
Molecular consequence: missense variant.
Genome position (GRCh38, 1-based): chr4:105,235,567, A>C. VCF-style: chr4-105235567-A-C. GRCh37 (hg19) VCF-style: chr4-106156724-A-C.
Other names: c.1625A>C, p.Lys542Thr (NM_017628.4); short protein forms K542T.
Identifiers: ClinVar variation 2317994 (VCV002317994.3), dbSNP rs749653927, ClinGen allele CA357795462.
Genomic context (GRCh38, chr4:105,235,567, plus strand): 5'-GTGGAGAGCTACAGGACAACTGCCAGCAGTTGATGAGAAACAAAGAGCAAGAGATTCTGA[A>C]GGGTCGAGACAAGGAGCAAACACGAGATCTTGTGCCCCCAACACAGCACTATCTGAAACC-3'
Protein context (NP_001120680.1, residues 532-552): LMRNKEQEIL[Lys542Thr]GRDKEQTRDL

ClinVar aggregate classification (germline): Uncertain significance (1 of 4 stars; one submission).

Allele frequency attached by ClinVar (database versions not stated): gnomAD 0.00001; gnomAD exomes 0.00001.
gnomAD v4.1: 5 of 1,614,072 alleles (0.00031%); highest among the groups gnomAD compares: Admixed American, 0.0083%; no homozygotes.

Submission:

Ambry Genetics
Classification: Uncertain significance. Last evaluated: 2024-12-20. Review status: criteria provided, single submitter. Criteria: Ambry Variant Classification Scheme 2023. Collection method: clinical testing. Allele origin: germline.
Comment: The p.K542T variant (also known as c.1625A>C), located in coding exon 1 of the TET2 gene, results from an A to C substitution at nucleotide position 1625. The lysine at codon 542 is replaced by threonine, an amino acid with similar properties. This amino acid position is conserved. In addition, this alteration is predicted to be tolerated by in silico analysis. Based on the available evidence, the clinical significance of this variant remains unclear.